The following continues an entry in ClinVar:

NM_000059.4(BRCA2):c.9257-1G>C

Gene: BRCA2. ClinVar aggregate classification (germline): Pathogenic. Pathogenic (12).

Submissions 10 to 14 of 14:

Baylor Genetics
Classification: Pathogenic for Familial cancer of breast. Last evaluated: 2021-08-28. Review status: criteria provided, single submitter. Criteria: ACMG Guidelines, 2015. Collection method: clinical testing. Allele origin: unknown.

Human Genome Sequencing Center Clinical Lab, Baylor College of Medicine
Classification: Pathogenic for Breast-ovarian cancer, familial, susceptibility to, 2. Last evaluated: 2017-07-31. Review status: criteria provided, single submitter. Criteria: ACMG Guidelines, 2015. Collection method: clinical testing. Allele origin: germline.
Comment: This variant abolishes the canonical splicing site at the accepting end of intron 24 of BRCA2. It is predicted to cause abnormal splicing of BRCA transcript. Experimental data indeed showed this variant cause abberent mRNA (PMID 21394826). It has been reported in multiple patients with familial breast/ovarian cancers (PMID: 20960228, 25452441). This variant has been classified as pathogenic.

Consortium of Investigators of Modifiers of BRCA1/2 (CIMBA), c/o University of Cambridge
Classification: Pathogenic for Breast-ovarian cancer, familial, susceptibility to, 2. Last evaluated: 2015-10-02. Review status: criteria provided, single submitter. Criteria: CIMBA Mutation Classification guidelines May 2016. Collection method: clinical testing. Allele origin: germline.

Sharing Clinical Reports Project (SCRP)
Classification: Likely pathogenic for Breast-ovarian cancer, familial 2. Last evaluated: 2011-09-14. Review status: no assertion criteria provided. Collection method: clinical testing. Allele origin: germline. Not counted in ClinVar's aggregate classification.

Breast Cancer Information Core (BIC) (BRCA2)
Classification: Pathogenic for Breast-ovarian cancer, familial 2. Last evaluated: 2004-02-20. Review status: no assertion criteria provided. Collection method: clinical testing. Allele origin: germline. Affected: yes. Observed: 2 variant alleles. Not counted in ClinVar's aggregate classification.

Literature cited by the submitters: PubMed 16199547 (cited by Labcorp Genetics (formerly Invitae), Labcorp); PubMed 20104584 (cited by Labcorp Genetics (formerly Invitae), Labcorp); PubMed 10923033 (cited by Labcorp Genetics (formerly Invitae), Labcorp); PubMed 20960228 (cited by Labcorp Genetics (formerly Invitae), Labcorp and Quest Diagnostics Nichols Institute San Juan Capistrano); PubMed 21120943 (cited by Labcorp Genetics (formerly Invitae), Labcorp); PubMed 25452441 (cited by 4 submitters); PubMed 17924331 (cited by 3 submitters); PubMed 21990134 (cited by Labcorp Genetics (formerly Invitae), Labcorp and Quest Diagnostics Nichols Institute San Juan Capistrano); PubMed 31131967 (cited by 3 submitters); PubMed 21394826 (cited by 4 submitters); PubMed 25382762 (cited by 4 submitters); PubMed 39779848 (cited by Ambry Genetics); PubMed 39779857 (cited by Ambry Genetics); PubMed 32733560 (cited by 3 submitters); PubMed 25777348 (cited by Quest Diagnostics Nichols Institute San Juan Capistrano); PubMed 34308104 (cited by Quest Diagnostics Nichols Institute San Juan Capistrano); PubMed 29446198 (cited by Quest Diagnostics Nichols Institute San Juan Capistrano); PubMed 31447099 (cited by Quest Diagnostics Nichols Institute San Juan Capistrano); PubMed 35578052 (cited by Quest Diagnostics Nichols Institute San Juan Capistrano); PubMed 33471991 (cited by All of Us Research Program, National Institutes of Health and Color Diagnostics, LLC DBA Color Health).